The following is an entry in ClinVar:

NM_001130009.3(GEN1):c.348G>C (p.Glu116Asp)

Gene: GEN1 (GEN1 structure-specific endonuclease; plus strand). Cytogenetic location: 2p24.2.
Variant type: single nucleotide variant.
Coding change: c.348G>C on transcript NM_001130009.3 (MANE Select); coding-DNA position 348, G replaced by C.
Protein change: p.Glu116Asp; replaces glutamic acid 116 with aspartic acid.
Molecular consequence: missense variant.
Genome position (GRCh38, 1-based): chr2:17,761,582, G>C. VCF-style: chr2-17761582-G-C. GRCh37 (hg19) VCF-style: chr2-17942849-G-C.
Other names: c.348G>C, p.Glu116Asp (NM_182625.5); short protein forms E116D.
Identifiers: ClinVar variation 4691200 (VCV004691200.1).

ClinVar aggregate classification (germline): Uncertain significance (1 of 4 stars; one submission).

gnomAD v4.1: 3 of 1,585,186 alleles (0.00019%); highest among the groups gnomAD compares: Non-Finnish European, 0.00026%; no homozygotes.

Submission:

Labcorp Genetics (formerly Invitae), Labcorp
Classification: Uncertain significance. Last evaluated: 2025-06-23. Review status: criteria provided, single submitter. Criteria: Invitae Variant Classification Sherloc (09022015). Collection method: clinical testing. Allele origin: germline.
Comment: This sequence change replaces glutamic acid, which is acidic and polar, with aspartic acid, which is acidic and polar, at codon 116 of the GEN1 protein (p.Glu116Asp). This variant also falls at the last nucleotide of exon 3, which is part of the consensus splice site for this exon. This variant is present in population databases (no rsID available, gnomAD 0.007%). This variant has not been reported in the literature in individuals affected with GEN1-related conditions. An algorithm developed to predict the effect of missense changes on protein structure and function (PolyPhen-2) suggests that this variant is likely to be disruptive. Variants that disrupt the consensus splice site are a relatively common cause of aberrant splicing (PMID: 17576681, 9536098). Algorithms developed to predict the effect of sequence changes on RNA splicing suggest that this variant may disrupt the consensus splice site. In summary, the available evidence is currently insufficient to determine the role of this variant in disease. Therefore, it has been classified as a Variant of Uncertain Significance.

Literature cited by the submitters: PubMed 17576681; PubMed 9536098.